The following is an entry in ClinVar:

ClinVar aggregate classification (germline): Uncertain significance (1 of 4 stars; one submission).

Conditions:
Familial infantile myasthenia (CMS6). Also called: MYASTHENIC SYNDROME, CONGENITAL, 6, PRESYNAPTIC; Congenital myasthenic syndrome type 6; MYASTHENIC SYNDROME, PRESYNAPTIC, CONGENITAL, ASSOCIATED WITH EPISODIC APNEA. Identifiers: Orphanet 590, MedGen C0393929, MONDO:0009689, OMIM 254210.

Submission:

Labcorp Genetics (formerly Invitae), Labcorp
Classification: Uncertain significance for Familial infantile myasthenia. Last evaluated: 2022-08-16. Review status: criteria provided, single submitter. Criteria: Invitae Variant Classification Sherloc (09022015). Collection method: clinical testing. Allele origin: germline.
Comment: In summary, the available evidence is currently insufficient to determine the role of this variant in disease. Therefore, it has been classified as a Variant of Uncertain Significance. Advanced modeling of protein sequence and biophysical properties (such as structural, functional, and spatial information, amino acid conservation, physicochemical variation, residue mobility, and thermodynamic stability) performed at Invitae indicates that this missense variant is expected to disrupt CHAT protein function. ClinVar contains an entry for this variant (Variation ID: 1506727). This variant has not been reported in the literature in individuals affected with CHAT-related conditions. This variant is not present in population databases (gnomAD no frequency). This sequence change replaces serine, which is neutral and polar, with alanine, which is neutral and non-polar, at codon 214 of the CHAT protein (p.Ser214Ala).

NM_020549.5(CHAT):c.640T>G (p.Ser214Ala)

Gene: CHAT (choline O-acetyltransferase; plus strand). Cytogenetic location: 10q11.23.
Variant type: single nucleotide variant.
Coding change: c.640T>G on transcript NM_020549.5 (MANE Select); coding-DNA position 640, T replaced by G.
Protein change: p.Ser214Ala; replaces serine 214 with alanine.
Molecular consequence: missense variant.
Genome position (GRCh38, 1-based): chr10:49,620,555, T>G. VCF-style: chr10-49620555-T-G. GRCh37 (hg19) VCF-style: chr10-50828601-T-G.
Other names: c.286T>G, p.Ser96Ala (NM_001142929.2, NM_001142934.2, NM_020984.4 and 2 more transcripts); c.394T>G, p.Ser132Ala (NM_001142933.2); short protein forms S132A, S96A, S214A.
Identifiers: ClinVar variation 1506727 (VCV001506727.6), dbSNP rs1378520155, ClinGen allele CA376727586.